The following is an entry in ClinVar:

ClinVar aggregate classification (germline): Pathogenic (1 of 4 stars; one submission).

Conditions:
Ellis-van Creveld syndrome (EVC). Also called: MESOECTODERMAL DYSPLASIA; Chondroectodermal dysplasia. Identifiers: Orphanet 289, MedGen C0013903, MONDO:0009162, OMIM 225500.

Submission:

Myriad Genetics, Inc.
Classification: Pathogenic for Ellis-van Creveld syndrome. Last evaluated: 2023-09-03. Review status: criteria provided, single submitter. Criteria: Myriad Autosomal Dominant, Autosomal Recessive and X-Linked Classification Criteria (2023). Collection method: clinical testing. Allele origin: unknown.
Comment: NM_147127.4(EVC2):c.959_963del5ins3(M320Rfs*20) is expected to be pathogenic in the context of EVC2-related Ellis-van Creveld syndrome. This variant is predicted to lead to an abnormal or absent protein product due to the creation of a premature termination codon in EVC2, a gene where loss-of-function variants are known to be pathogenic. Please note: this variant was assessed in the context of healthy population screening.

NM_147127.5(EVC2):c.959_963delinsGGG (p.Met320fs)

Gene: EVC2 (EvC ciliary complex subunit 2; minus strand). Cytogenetic location: 4p16.2.
Variant type: Indel.
Coding change: c.959_963delinsGGG on transcript NM_147127.5 (MANE Select); coding-DNA positions 959 to 963, TGGTT replaced by GGG.
Protein change: p.Met320fs; shifts the reading frame from methionine 320.
Molecular consequence: frameshift variant.
Genome position (GRCh38, 1-based): chr4:5,665,557-5,665,561, AACCA replaced by CCC on the plus strand (TGGTT replaced by GGG on the coding strand, the reverse complement: EVC2 is on the minus strand). VCF-style: chr4-5665557-AACCA-CCC. GRCh37 (hg19) VCF-style: chr4-5667284-AACCA-CCC.
Other names: c.719_723delinsGGG, p.Met240fs (NM_001166136.2); short protein forms M240fs, M320fs.
Identifiers: ClinVar variation 5011552 (VCV005011552.1).
Genomic context (GRCh38, chr4:5,665,557, plus strand): 5'-CCCTCAGGGAAGACTCACCCGATGTCTGGTGAGCATGTTTCCCTTCAGACACTGATAGCG[AACCA>CCC]TGAGGAAGAGGGCAGCCCAGGTCAGCACAAGGGAGAGGAGGAAGGCAATGAAGAACCCTG-3'